The following is an entry in ClinVar:

ClinVar aggregate classification (germline): Uncertain significance (1 of 4 stars; one submission).

Submission:

CeGaT Center for Human Genetics Tuebingen
Classification: Uncertain significance. Last evaluated: 2025-10-01. Review status: criteria provided, single submitter. Criteria: CeGaT Center For Human Genetics Tuebingen Variant Classification Criteria Version 2. Collection method: clinical testing. Allele origin: germline. Affected: yes. Observed: 1 variant allele.
Comment: SERPINA1: PM2

NM_000295.5(SERPINA1):c.872T>C (p.Leu291Pro)

Gene: SERPINA1 (serpin family A member 1; minus strand). Cytogenetic location: 14q32.13.
Variant type: single nucleotide variant.
Coding change: c.872T>C on transcript NM_000295.5 (MANE Select); coding-DNA position 872, T replaced by C.
Protein change: p.Leu291Pro; replaces leucine 291 with proline.
Molecular consequence: missense variant.
Genome position (GRCh38, 1-based): chr14:94,380,916, A>G on the plus strand (T>C on the coding strand, the complement: SERPINA1 is on the minus strand). VCF-style: chr14-94380916-A-G. GRCh37 (hg19) VCF-style: chr14-94847253-A-G.
Other names: c.872T>C, p.Leu291Pro (NM_001002235.3, NM_001002236.3, NM_001127700.2 and 7 more transcripts); short protein forms L291P.
Identifiers: ClinVar variation 4534722 (VCV004534722.6).